The following is an entry in ClinVar:

NM_016151.4(TAOK2):c.1603T>C (p.Phe535Leu)

Gene: TAOK2 (TAO kinase 2; plus strand). Cytogenetic location: 16p11.2.
Variant type: single nucleotide variant.
Coding change: c.1603T>C on transcript NM_016151.4 (MANE Select); coding-DNA position 1603, T replaced by C.
Protein change: p.Phe535Leu; replaces phenylalanine 535 with leucine.
Molecular consequence: missense variant.
Genome position (GRCh38, 1-based): chr16:29,985,393, T>C. VCF-style: chr16-29985393-T-C. GRCh37 (hg19) VCF-style: chr16-29996714-T-C.
Other names: c.1603T>C, p.Phe535Leu (NM_001252043.2, NM_004783.4); short protein forms F535L.
Identifiers: ClinVar variation 2100160 (VCV002100160.4), dbSNP rs765828326, ClinGen allele CA7998177.

ClinVar aggregate classification (germline): Uncertain significance (1 of 4 stars; one submission).

Allele frequency attached by ClinVar (database versions not stated): gnomAD exomes below 0.00001; ExAC 0.00002; gnomAD 0.00002; TOPMed 0.00002.
gnomAD v4.1: 6 of 1,609,350 alleles (0.00037%); highest among the groups gnomAD compares: African/African-American, 0.004%; no homozygotes.

Submission:

Labcorp Genetics (formerly Invitae), Labcorp
Classification: Uncertain significance. Last evaluated: 2023-12-07. Review status: criteria provided, single submitter. Criteria: Invitae Variant Classification Sherloc (09022015). Collection method: clinical testing. Allele origin: germline.
Comment: This sequence change replaces phenylalanine, which is neutral and non-polar, with leucine, which is neutral and non-polar, at codon 535 of the TAOK2 protein (p.Phe535Leu). This variant is present in population databases (rs765828326, gnomAD 0.01%). This variant has not been reported in the literature in individuals affected with TAOK2-related conditions. ClinVar contains an entry for this variant (Variation ID: 2100160). An algorithm developed to predict the effect of missense changes on protein structure and function (PolyPhen-2) suggests that this variant is likely to be disruptive. In summary, the available evidence is currently insufficient to determine the role of this variant in disease. Therefore, it has been classified as a Variant of Uncertain Significance.